The following is an entry in ClinVar:

NM_001128840.3(CACNA1D):c.1345G>A (p.Asp449Asn)

Gene: CACNA1D (calcium voltage-gated channel subunit alpha1 D; plus strand). Cytogenetic location: 3p21.1.
Variant type: single nucleotide variant.
Coding change: c.1345G>A on transcript NM_001128840.3 (MANE Select); coding-DNA position 1345, G replaced by A.
Protein change: p.Asp449Asn; replaces aspartic acid 449 with asparagine.
Molecular consequence: missense variant.
Genome position (GRCh38, 1-based): chr3:53,702,765, G>A. VCF-style: chr3-53702765-G-A. GRCh37 (hg19) VCF-style: chr3-53736792-G-A.
Other names: c.1345G>A, p.Asp449Asn (NM_000720.4, NM_001128839.3); short protein forms D449N.
Identifiers: ClinVar variation 2630992 (VCV002630992.1), dbSNP rs768158230, ClinGen allele CA2453891.
Genomic context (GRCh38, chr3:53,702,765, plus strand): 5'-CAGCAGCTGGAGGAGGATCTAAAGGGCTACTTGGATTGGATCACCCAAGCTGAGGACATC[G>A]ATCCGGAGAATGAGGAAGAAGGAGGAGAGGAAGGCAAACGAAATAGTATGTAGCGCCTTT-3'
Protein context (NP_001122312.1, residues 439-459): LDWITQAEDI[Asp449Asn]PENEEEGGEE

ClinVar aggregate classification (germline): Uncertain significance (1 of 4 stars; one submission).

Conditions:
CACNA1D-related disorder.

Allele frequency attached by ClinVar (database versions not stated): gnomAD exomes below 0.00001.
gnomAD v4.1: 7 of 1,614,238 alleles (0.00043%); highest among the groups gnomAD compares: Middle Eastern, 0.016%; no homozygotes.

Submission:

PreventionGenetics, part of Exact Sciences
Classification: Uncertain significance for CACNA1D-related condition. Last evaluated: 2023-09-19. Review status: criteria provided, single submitter. Criteria: ACMG Guidelines, 2015. Collection method: clinical testing. Allele origin: germline.
Comment: The CACNA1D c.1345G>A variant is predicted to result in the amino acid substitution p.Asp449Asn. To our knowledge, this variant has not been reported in the literature. This variant is reported in 0.00088% of alleles in individuals of European (Non-Finnish) descent in gnomAD; and in total there are three alleles in the heterozygous state including one found in a "control" individual at age of ~75 years old. At this time, the clinical significance of this variant is uncertain due to the absence of conclusive functional and genetic evidence.